The following is an entry in ClinVar:

NM_000094.4(COL7A1):c.2359G>C (p.Ala787Pro)

Gene: COL7A1 (collagen type VII alpha 1 chain; minus strand). Cytogenetic location: 3p21.31.
Variant type: single nucleotide variant.
Coding change: c.2359G>C on transcript NM_000094.4 (MANE Select); coding-DNA position 2359, G replaced by C.
Protein change: p.Ala787Pro; replaces alanine 787 with proline.
Molecular consequence: missense variant.
Genome position (GRCh38, 1-based): chr3:48,588,951, C>G on the plus strand (G>C on the coding strand, the complement: COL7A1 is on the minus strand). VCF-style: chr3-48588951-C-G. GRCh37 (hg19) VCF-style: chr3-48626384-C-G.
Other names: short protein forms A787P.
Identifiers: ClinVar variation 1378207 (VCV001378207.6), dbSNP rs2107769039, ClinGen allele CA352721126.

ClinVar aggregate classification (germline): Uncertain significance (1 of 4 stars; one submission).

Submission:

Labcorp Genetics (formerly Invitae), Labcorp
Classification: Uncertain significance. Last evaluated: 2024-03-12. Review status: criteria provided, single submitter. Criteria: Invitae Variant Classification Sherloc (09022015). Collection method: clinical testing. Allele origin: germline.
Comment: This sequence change replaces alanine, which is neutral and non-polar, with proline, which is neutral and non-polar, at codon 787 of the COL7A1 protein (p.Ala787Pro). This variant is not present in population databases (gnomAD no frequency). This variant has not been reported in the literature in individuals affected with COL7A1-related conditions. ClinVar contains an entry for this variant (Variation ID: 1378207). Advanced modeling of protein sequence and biophysical properties (such as structural, functional, and spatial information, amino acid conservation, physicochemical variation, residue mobility, and thermodynamic stability) performed at Invitae indicates that this missense variant is not expected to disrupt COL7A1 protein function with a negative predictive value of 95%. In summary, the available evidence is currently insufficient to determine the role of this variant in disease. Therefore, it has been classified as a Variant of Uncertain Significance.